The following is an entry in ClinVar:

ClinVar aggregate classification (germline): Likely benign. Review status: criteria provided, multiple submitters, no conflicts (2 of 4 stars). 3 submissions from 3 submitters: Likely benign (3). Last evaluated 2026-01-08.

Conditions:
Phosphoenolpyruvate carboxykinase deficiency, cytosolic (PCKDC). Also called: PCK1 DEFICIENCY, CYTOSOLIC; PEPCK DEFICIENCY, CYTOSOLIC. Identifiers: Orphanet 2880, MedGen C5574905, MONDO:0009866, OMIM 261680.

Allele frequency attached by ClinVar (database versions not stated): gnomAD exomes 0.00070; ExAC 0.00089; gnomAD 0.00262 and 0.00278; ESP Exome Variant Server 0.00292; TOPMed 0.00293; 1000 Genomes Project 30x 0.00328; 1000 Genomes Project 0.00359.

Submissions (3):

Labcorp Genetics (formerly Invitae), Labcorp
Classification: Likely benign. Last evaluated: 2026-01-08. Review status: criteria provided, single submitter. Criteria: Invitae Variant Classification Sherloc (09022015). Collection method: clinical testing. Allele origin: germline.

Illumina Laboratory Services, Illumina
Classification: Likely benign for Phosphoenolpyruvate carboxykinase deficiency, cytosolic. Last evaluated: 2018-01-13. Review status: criteria provided, single submitter. Criteria: ICSL Variant Classification Criteria 13 December 2019. Collection method: clinical testing. Allele origin: germline.
Comment: This variant was observed in the ICSL laboratory as part of a predisposition screen in an ostensibly healthy population. It had not been previously curated by ICSL or reported in the Human Gene Mutation Database (HGMD: prior to June 1st, 2018), and was therefore a candidate for classification through an automated scoring system. Utilizing variant allele frequency, disease prevalence and penetrance estimates, and inheritance mode, an automated score was calculated to assess if this variant is too frequent to cause the disease. Based on the score and internal cut-off values, a variant classified as likely benign is not then subjected to further curation. The score for this variant resulted in a classification of likely benign for this disease.

Breakthrough Genomics
Classification: Likely benign. Review status: criteria provided, single submitter. Criteria: ACMG Guidelines, 2015. Collection method: not provided. Allele origin: germline. Inheritance: Autosomal recessive inheritance. Affected: yes.

NM_002591.4(PCK1):c.179T>C (p.Met60Thr)

Gene: PCK1 (phosphoenolpyruvate carboxykinase 1; plus strand). Cytogenetic location: 20q13.31.
Variant type: single nucleotide variant.
Coding change: c.179T>C on transcript NM_002591.4 (MANE Select); coding-DNA position 179, T replaced by C.
Protein change: p.Met60Thr; replaces methionine 60 with threonine.
Molecular consequence: missense variant.
Genome position (GRCh38, 1-based): chr20:57,561,590, T>C. VCF-style: chr20-57561590-T-C. GRCh37 (hg19) VCF-style: chr20-56136646-T-C.
Other names: short protein forms M60T.
Identifiers: ClinVar variation 338871 (VCV000338871.14), dbSNP rs28383586, ClinGen allele CA9921910.